The following is an entry in ClinVar:

NM_002972.4(SBF1):c.4223C>T (p.Ala1408Val)

Gene: SBF1 (SET binding factor 1; minus strand). Cytogenetic location: 22q13.33.
Variant type: single nucleotide variant.
Coding change: c.4223C>T on transcript NM_002972.4 (MANE Select); coding-DNA position 4223, C replaced by T.
Protein change: p.Ala1408Val; replaces alanine 1408 with valine.
Molecular consequence: missense variant.
Genome position (GRCh38, 1-based): chr22:50,456,259, G>A on the plus strand (C>T on the coding strand, the complement: SBF1 is on the minus strand). VCF-style: chr22-50456259-G-A. GRCh37 (hg19) VCF-style: chr22-50894688-G-A.
Other names: c.4148C>T, p.Ala1383Val (NM_001365819.1); short protein forms A1383V, A1408V.
Identifiers: ClinVar variation 1351631 (VCV001351631.6), dbSNP rs2067241821, ClinGen allele CA412198615.

ClinVar aggregate classification (germline): Uncertain significance (1 of 4 stars; one submission).

gnomAD v4.1: 16 of 1,612,616 alleles (0.00099%); highest among the groups gnomAD compares: Non-Finnish European, 0.0014%; no homozygotes.

Submission:

Labcorp Genetics (formerly Invitae), Labcorp
Classification: Uncertain significance. Last evaluated: 2024-10-28. Review status: criteria provided, single submitter. Criteria: Invitae Variant Classification Sherloc (09022015). Collection method: clinical testing. Allele origin: germline.
Comment: This sequence change replaces alanine, which is neutral and non-polar, with valine, which is neutral and non-polar, at codon 1408 of the SBF1 protein (p.Ala1408Val). This variant is not present in population databases (gnomAD no frequency). This variant has not been reported in the literature in individuals affected with SBF1-related conditions. ClinVar contains an entry for this variant (Variation ID: 1351631). Invitae Evidence Modeling of protein sequence and biophysical properties (such as structural, functional, and spatial information, amino acid conservation, physicochemical variation, residue mobility, and thermodynamic stability) indicates that this missense variant is not expected to disrupt SBF1 protein function with a negative predictive value of 80%. In summary, the available evidence is currently insufficient to determine the role of this variant in disease. Therefore, it has been classified as a Variant of Uncertain Significance.